The following is an entry in ClinVar:

ClinVar aggregate classification (germline): Uncertain significance (1 of 4 stars; one submission).

gnomAD v4.1: 7 of 1,609,446 alleles (0.00043%); highest among the groups gnomAD compares: African/African-American, 0.008%; no homozygotes.

Submission:

Labcorp Genetics (formerly Invitae), Labcorp
Classification: Uncertain significance. Last evaluated: 2025-03-30. Review status: criteria provided, single submitter. Criteria: Invitae Variant Classification Sherloc (09022015). Collection method: clinical testing. Allele origin: germline.
Comment: This sequence change replaces methionine, which is neutral and non-polar, with isoleucine, which is neutral and non-polar, at codon 239 of the HNF4A protein (p.Met239Ile). This variant is present in population databases (no rsID available, gnomAD 0.01%). This variant has not been reported in the literature in individuals affected with HNF4A-related conditions. Invitae Evidence Modeling of protein sequence and biophysical properties (such as structural, functional, and spatial information, amino acid conservation, physicochemical variation, residue mobility, and thermodynamic stability) has been performed for this missense variant. However, the output from this modeling did not meet the statistical confidence thresholds required to predict the impact of this variant on HNF4A protein function. In summary, the available evidence is currently insufficient to determine the role of this variant in disease. Therefore, it has been classified as a Variant of Uncertain Significance.

NM_175914.5(HNF4A):c.717G>A (p.Met239Ile)

Gene: HNF4A (hepatocyte nuclear factor 4 alpha; plus strand). Cytogenetic location: 20q13.12.
Variant type: single nucleotide variant.
Coding change: c.717G>A on transcript NM_175914.5 (MANE Select); coding-DNA position 717, G replaced by A.
Protein change: p.Met239Ile; replaces methionine 239 with isoleucine.
Molecular consequence: missense variant.
Genome position (GRCh38, 1-based): chr20:44,419,767, G>A. VCF-style: chr20-44419767-G-A. GRCh37 (hg19) VCF-style: chr20-43048407-G-A.
Other names: c.783G>A, p.Met261Ile (NM_000457.6, NM_178849.3, NM_178850.3); c.717G>A, p.Met239Ile (NM_001030003.3, NM_001030004.3); c.762G>A, p.Met254Ile (NM_001258355.2); c.708G>A, p.Met236Ile (NM_001287182.2, NM_001287183.2, NM_001287184.2); short protein forms M239I, M236I, M254I, M261I.
Identifiers: ClinVar variation 4752939 (VCV004752939.1).